The following is an entry in ClinVar:

NM_003098.3(SNTA1):c.1169C>T (p.Ala390Val)

Gene: SNTA1 (syntrophin alpha 1; minus strand). Cytogenetic location: 20q11.21.
Variant type: single nucleotide variant.
Coding change: c.1169C>T on transcript NM_003098.3 (MANE Select); coding-DNA position 1169, C replaced by T.
Protein change: p.Ala390Val; replaces alanine 390 with valine.
Molecular consequence: missense variant.
Genome position (GRCh38, 1-based): chr20:33,410,203, G>A on the plus strand (C>T on the coding strand, the complement: SNTA1 is on the minus strand). VCF-style: chr20-33410203-G-A. GRCh37 (hg19) VCF-style: chr20-31998009-G-A.
Other names: short protein forms A390V.
Identifiers: ClinVar variation 8476 (VCV000008476.16), dbSNP rs121434500, ClinGen allele CA254410.
Genomic context (GRCh38, chr20:33,410,203, plus strand): 5'-ACCTCCTGCACACCCTCGGCGGCCCGGTGACAGCCATCCACAAGCTGGCGGGTCCAGGCA[G>A]CCAGCTCCTGCGGTGACTCCACGCTGAACAGGTGAGTGTCCACACCGTGACGCGTGCCCG-3'
Protein context (NP_003089.1, residues 380-400): LFSVESPQEL[Ala390Val]AWTRQLVDGC

ClinVar aggregate classification (germline): Conflicting classifications of pathogenicity. Review status: criteria provided, conflicting classifications (1 of 4 stars). 6 submissions from 6 submitters: Likely pathogenic (2); Uncertain significance (3). 1 of the submissions does not count toward it. Last evaluated 2025-11-10.

Conditions:
Cardiovascular phenotype. Identifiers: MedGen CN230736.
Long QT syndrome (LQTS). Identifiers: MedGen C0023976, MeSH D008133, MONDO:0002442. Disease mechanism: loss of function. Inheritance: Various modes of inheritance.
Long QT syndrome 12 (LQT12). Identifiers: Orphanet 101016, Orphanet 768, MedGen C2751830, MONDO:0013062, OMIM 612955.
Atrial fibrillation. Identifiers: MedGen C0004238, MONDO:0004981, HP:0005110.

Allele frequency attached by ClinVar (database versions not stated): gnomAD 0.00001 and 0.00002; ExAC 0.00002; gnomAD exomes 0.00002 and 0.00003; TOPMed 0.00004.
gnomAD v4.1: 41 of 1,613,938 alleles (0.0025%); highest among the groups gnomAD compares: Admixed American, 0.0067%; no homozygotes.

Submissions (6):

Labcorp Genetics (formerly Invitae), Labcorp
Classification: Uncertain significance for Long QT syndrome. Last evaluated: 2025-11-10. Review status: criteria provided, single submitter. Criteria: Invitae Variant Classification Sherloc (09022015). Collection method: clinical testing. Allele origin: germline.
Comment: This sequence change replaces alanine, which is neutral and non-polar, with valine, which is neutral and non-polar, at codon 390 of the SNTA1 protein (p.Ala390Val). This variant is present in population databases (rs121434500, gnomAD 0.006%). This missense change has been observed in individual(s) with long QT syndrome (PMID: 18591664). ClinVar contains an entry for this variant (Variation ID: 8476). Invitae Evidence Modeling of protein sequence and biophysical properties (such as structural, functional, and spatial information, amino acid conservation, physicochemical variation, residue mobility, and thermodynamic stability) indicates that this missense variant is not expected to disrupt SNTA1 protein function with a negative predictive value of 80%. Experimental studies have shown that this missense change affects SNTA1 function (PMID: 18591664, 27028743). In summary, the available evidence is currently insufficient to determine the role of this variant in disease. Therefore, it has been classified as a Variant of Uncertain Significance.

Ambry Genetics
Classification: Uncertain significance for Cardiovascular phenotype. Last evaluated: 2025-03-25. Review status: criteria provided, single submitter. Criteria: Ambry Variant Classification Scheme 2023. Collection method: clinical testing. Allele origin: germline.
Comment: The p.A390V variant (also known as c.1169C>T), located in coding exon 6 of the SNTA1 gene, results from a C to T substitution at nucleotide position 1169. The alanine at codon 390 is replaced by valine, an amino acid with similar properties. This amino acid position is not well conserved in available vertebrate species. In addition, this alteration is predicted to be deleterious by in silico analysis. The evidence for this gene-disease relationship is limited; therefore, the clinical significance of this alteration is unclear.

GeneDx
Classification: Uncertain significance. Last evaluated: 2024-09-18. Review status: criteria provided, single submitter. Criteria: GeneDx Variant Classification Process June 2021. Collection method: clinical testing. Allele origin: germline. Affected: yes.
Comment: In silico analysis supports that this missense variant has a deleterious effect on protein structure/function; This variant is associated with the following publications: (PMID: 22378279, 19862833, 29661707, 20009079, 23376825, 27028743, 31589614, Postrigan2022[Review], 18591664)

AiLife Diagnostics
Classification: Likely pathogenic. Last evaluated: 2022-01-03. Review status: criteria provided, single submitter. Criteria: ACMG Guidelines, 2015. Collection method: clinical testing. Allele origin: germline. Affected: yes. Observed: 1 variant allele.

Center for Advanced Laboratory Medicine, UC San Diego Health, University of California San Diego
Classification: Likely pathogenic for Long QT Syndrome; Atrial fibrillation. Last evaluated: 2019-04-17. Review status: criteria provided, single submitter. Criteria: ACMG Guidelines, 2015. Collection method: clinical testing. Allele origin: germline. Affected: yes. Observed: 2 variant alleles.

OMIM
Classification: Pathogenic for LONG QT SYNDROME 12. Last evaluated: 2008-07-08. Review status: no assertion criteria provided. Collection method: literature only. Allele origin: germline. Not counted in ClinVar's aggregate classification.

Literature cited by the submitters: PubMed 18591664 (cited by 4 submitters); PubMed 27028743 (cited by Labcorp Genetics (formerly Invitae), Labcorp and Ambry Genetics); PubMed 22378279 (cited by Ambry Genetics and AiLife Diagnostics); PubMed 31589614 (cited by AiLife Diagnostics).